The following is an entry in ClinVar:

GRCh38/hg38 2q35(chr2:219420345-219431647)x1

Genes: DES (desmin; plus strand), LOC110121267 (VISTA enhancer hs2169; plus strand). Cytogenetic location: 2q35.
Variant type: copy number loss.
Change: copy number 1 (one copy instead of two) of chr2:219,420,345-219,431,647 (11.3 kb, GRCh38 coordinates, 1-based), cytogenetic band 2q35.
Identifiers: ClinVar variation 2579220 (VCV002579220.1).

ClinVar aggregate classification (germline): Pathogenic (1 of 4 stars; one submission).

Conditions:
Desmin-related myofibrillar myopathy (MFM1). Also called: Desmin related myopathy (former name); Desmin storage myopathy (former name); Myofibrillar myopathy 1; MYOFIBRILLAR MYOPATHY WITH ARRHYTHMOGENIC RIGHT VENTRICULAR CARDIOMYOPATHY; DESMIN-RELATED MYOPATHY WITH ARRHYTHMOGENIC RIGHT VENTRICULAR CARDIOMYOPATHY; Desminopathy. Identifiers: Orphanet 363543, Orphanet 98909, MedGen C1832370, MONDO:0011076, OMIM 601419.

Submission:

Broad Center for Mendelian Genomics, Broad Institute of MIT and Harvard
Classification: Pathogenic for Desmin-related myofibrillar myopathy. Last evaluated: 2023-08-24. Review status: criteria provided, single submitter. Criteria: ACMG/ClinGen CNV Guidelines, 2019. Collection method: research. Allele origin: unknown. Inheritance: Autosomal dominant inheritance. Affected: yes.
Comment: A heterozygous deletion of exons 4-9 in DES (NM_001927.4) was identified by exome sequencing and confirmed by genome sequencing in one individual with myofibrillar myopathy ([GRCh 38] chr2:219420345_219431647x1)(PMID: 32528171). Inheritance information is unavailable. The patient phenotype is nonspecific, but is consistent with cases described in the literature and/or published databases with overlapping variants. There is partial overlap with the 3’ end and additional exons (NMD is expected to occur) of the DES gene. This gene has a definitive gene-disease relationship to dilated cardiomyopathy and myofibrillar myopathy and the reported mechanism is loss-of-function. In summary, this variant meets criteria to be classified as pathogenic for autosomal dominant myofibrillar myopathy. The ACMG/ClinGen evidence codes and points used in this curation are as follows: 1: 0 points, 2: 0.90 points, 3: 0 points, 4-5: 0.1 points; Total: 1.00 points; Riggs 2020 (PMID: 31690835).

Literature cited by the submitters: PubMed 32528171.